The following is an entry in ClinVar:

ClinVar aggregate classification (germline): Uncertain significance (1 of 4 stars; one submission).

Allele frequency attached by ClinVar (database versions not stated): ExAC 0.00001; gnomAD 0.00001; gnomAD exomes 0.00001; TOPMed 0.00002.
gnomAD v4.1: 12 of 1,614,012 alleles (0.00074%); highest among the groups gnomAD compares: South Asian, 0.0011%; no homozygotes.

Submission:

Labcorp Genetics (formerly Invitae), Labcorp
Classification: Uncertain significance. Last evaluated: 2025-06-22. Review status: criteria provided, single submitter. Criteria: Invitae Variant Classification Sherloc (09022015). Collection method: clinical testing. Allele origin: germline.
Comment: This sequence change replaces histidine, which is basic and polar, with arginine, which is basic and polar, at codon 305 of the SLC25A32 protein (p.His305Arg). This variant is present in population databases (rs764193103, gnomAD 0.003%). This variant has not been reported in the literature in individuals affected with SLC25A32-related conditions. ClinVar contains an entry for this variant (Variation ID: 1903160). Invitae Evidence Modeling of protein sequence and biophysical properties (such as structural, functional, and spatial information, amino acid conservation, physicochemical variation, residue mobility, and thermodynamic stability) indicates that this missense variant is not expected to disrupt SLC25A32 protein function with a negative predictive value of 80%. In summary, the available evidence is currently insufficient to determine the role of this variant in disease. Therefore, it has been classified as a Variant of Uncertain Significance.

NM_030780.5(SLC25A32):c.914A>G (p.His305Arg)

Gene: SLC25A32 (solute carrier family 25 member 32; minus strand). Cytogenetic location: 8q22.3.
Variant type: single nucleotide variant.
Coding change: c.914A>G on transcript NM_030780.5 (MANE Select); coding-DNA position 914, A replaced by G.
Protein change: p.His305Arg; replaces histidine 305 with arginine.
Molecular consequence: missense variant. On other transcripts: non-coding transcript variant (2).
Genome position (GRCh38, 1-based): chr8:103,400,445, T>C on the plus strand (A>G on the coding strand, the complement: SLC25A32 is on the minus strand). VCF-style: chr8-103400445-T-C. GRCh37 (hg19) VCF-style: chr8-104412673-T-C.
Other names: short protein forms H305R.
Identifiers: ClinVar variation 1903160 (VCV001903160.5), dbSNP rs764193103, ClinGen allele CA4835329.